The following is an entry in ClinVar:

NM_001160148.2(DDHD1):c.2552T>C (p.Leu851Pro)

Gene: DDHD1 (DDHD domain containing 1; minus strand). Cytogenetic location: 14q22.1.
Variant type: single nucleotide variant.
Coding change: c.2552T>C on transcript NM_001160148.2 (MANE Select); coding-DNA position 2552, T replaced by C.
Protein change: p.Leu851Pro; replaces leucine 851 with proline.
Molecular consequence: missense variant.
Genome position (GRCh38, 1-based): chr14:53,046,919, A>G on the plus strand (T>C on the coding strand, the complement: DDHD1 is on the minus strand). VCF-style: chr14-53046919-A-G. GRCh37 (hg19) VCF-style: chr14-53513637-A-G.
Other names: c.2489T>C, p.Leu830Pro (NM_001160147.2); c.2468T>C, p.Leu823Pro (NM_030637.3); c.2552T>C (NM_001160148.1); short protein forms L830P, L823P, L851P.
Identifiers: ClinVar variation 960413 (VCV000960413.8), dbSNP rs1882056310, ClinGen allele CA389767559.
Genomic context (GRCh38, chr14:53,046,919, plus strand): 5'-CAATAGGCAGTATGCGACGTGACAGCTGACCAATAGCGGCTCTCCACAAGGCCTTCTCTG[A>G]GTTCAAAATCAATCCTGTGATCCAACTCCACTAAAAAGAAAAGAAGTTAAACAAATGAAT-3'
Protein context (NP_001153620.1, residues 841-861): VELDHRIDFE[Leu851Pro]REGLVESRYW

ClinVar aggregate classification (germline): Uncertain significance. Review status: criteria provided, multiple submitters, no conflicts (2 of 4 stars). 2 submissions from 2 submitters: Uncertain significance (2). Last evaluated 2025-06-07.

Conditions:
Hereditary spastic paraplegia 28. Also called: Spastic paraplegia 28, autosomal recessive. Identifiers: Orphanet 101008, MedGen C1836295, MONDO:0012256, OMIM 609340.
Inborn genetic diseases. Identifiers: MedGen C0950123, MeSH D030342.

Allele frequency attached by ClinVar (database versions not stated): gnomAD exomes 0.00001; TOPMed below 0.00001.
gnomAD v4.1: 20 of 1,610,786 alleles (0.0012%); highest among the groups gnomAD compares: Non-Finnish European, 0.0017%; no homozygotes.

Submissions (2):

Ambry Genetics
Classification: Uncertain significance for Inborn genetic diseases. Last evaluated: 2025-06-07. Review status: criteria provided, single submitter. Criteria: Ambry Variant Classification Scheme 2023. Collection method: clinical testing. Allele origin: germline.

Labcorp Genetics (formerly Invitae), Labcorp
Classification: Uncertain significance for Hereditary spastic paraplegia 28. Last evaluated: 2021-08-28. Review status: criteria provided, single submitter. Criteria: Invitae Variant Classification Sherloc (09022015). Collection method: clinical testing. Allele origin: germline.
Comment: This sequence change replaces leucine with proline at codon 830 of the DDHD1 protein (p.Leu830Pro). The leucine residue is highly conserved and there is a moderate physicochemical difference between leucine and proline. This variant is not present in population databases (ExAC no frequency). This variant has not been reported in the literature in individuals affected with DDHD1-related conditions. Algorithms developed to predict the effect of missense changes on protein structure and function are either unavailable or do not agree on the potential impact of this missense change (SIFT: "Deleterious"; PolyPhen-2: "Probably Damaging"; Align-GVGD: "Class C0"). In summary, the available evidence is currently insufficient to determine the role of this variant in disease. Therefore, it has been classified as a Variant of Uncertain Significance.